The following is an entry in ClinVar:

NM_000384.3(APOB):c.1894A>C (p.Lys632Gln)

Gene: APOB (apolipoprotein B; minus strand). Cytogenetic location: 2p24.1.
Variant type: single nucleotide variant.
Coding change: c.1894A>C on transcript NM_000384.3 (MANE Select); coding-DNA position 1894, A replaced by C.
Protein change: p.Lys632Gln; replaces lysine 632 with glutamine.
Molecular consequence: missense variant.
Genome position (GRCh38, 1-based): chr2:21,028,001, T>G on the plus strand (A>C on the coding strand, the complement: APOB is on the minus strand). VCF-style: chr2-21028001-T-G. GRCh37 (hg19) VCF-style: chr2-21250873-T-G.
Other names: short protein forms K632Q.
Identifiers: ClinVar variation 2931924 (VCV002931924.3), dbSNP rs2465420244, ClinGen allele CA346013803.

ClinVar aggregate classification (germline): Uncertain significance (1 of 4 stars; one submission).

Conditions:
Familial hypobetalipoproteinemia 1. Also called: APOB-Related Familial Hypobetalipoproteinemia; Hypobetalipoproteinemia, normotriglyceridemic; Acanthocytosis with hypobetalipoproteinemia. Identifiers: MedGen C4551990, MONDO:0014252, OMIM 615558.
Hypercholesterolemia, autosomal dominant, type B (FHCL2). Also called: Familial Hypercholesterolemia Type B; APOLIPOPROTEIN B-100, FAMILIAL DEFECTIVE; APOLIPOPROTEIN B-100, FAMILIAL LIGAND-DEFECTIVE; HYPERCHOLESTEROLEMIA, FAMILIAL, DUE TO LIGAND-DEFECTIVE APOLIPOPROTEIN B; Hyperlipoproteinemia Type IIb; Familial hypercholesterolemia 2. Identifiers: MedGen C1704417, MONDO:0007751, OMIM 144010.

Submission:

Labcorp Genetics (formerly Invitae), Labcorp
Classification: Uncertain significance for Familial hypobetalipoproteinemia 1; Hypercholesterolemia, autosomal dominant, type B. Last evaluated: 2023-11-28. Review status: criteria provided, single submitter. Criteria: Invitae Variant Classification Sherloc (09022015). Collection method: clinical testing. Allele origin: germline.
Comment: This sequence change replaces lysine, which is basic and polar, with glutamine, which is neutral and polar, at codon 632 of the APOB protein (p.Lys632Gln). This variant is not present in population databases (gnomAD no frequency). This variant has not been reported in the literature in individuals affected with APOB-related conditions. Advanced modeling of protein sequence and biophysical properties (such as structural, functional, and spatial information, amino acid conservation, physicochemical variation, residue mobility, and thermodynamic stability) performed at Invitae indicates that this missense variant is not expected to disrupt APOB protein function with a negative predictive value of 95%. In summary, the available evidence is currently insufficient to determine the role of this variant in disease. Therefore, it has been classified as a Variant of Uncertain Significance.